The following is an entry in ClinVar:

ClinVar aggregate classification (germline): Uncertain significance. Review status: criteria provided, multiple submitters, no conflicts (2 of 4 stars). 2 submissions from 2 submitters: Uncertain significance (2). Last evaluated 2025-03-15.

Allele frequency attached by ClinVar (database versions not stated): gnomAD 0.00004; ExAC 0.00005; TOPMed 0.00005; ESP Exome Variant Server 0.00015.
gnomAD v4.1: 22 of 1,613,528 alleles (0.0014%); highest among the groups gnomAD compares: Middle Eastern, 0.016%; no homozygotes.

Submissions (2):

Labcorp Genetics (formerly Invitae), Labcorp
Classification: Uncertain significance. Last evaluated: 2025-03-15. Review status: criteria provided, single submitter. Criteria: Invitae Variant Classification Sherloc (09022015). Collection method: clinical testing. Allele origin: germline.
Comment: This sequence change replaces arginine, which is basic and polar, with glycine, which is neutral and non-polar, at codon 1607 of the HMCN1 protein (p.Arg1607Gly). This variant is present in population databases (rs149151239, gnomAD 0.01%). This variant has not been reported in the literature in individuals affected with HMCN1-related conditions. ClinVar contains an entry for this variant (Variation ID: 1987568). An algorithm developed to predict the effect of missense changes on protein structure and function (PolyPhen-2) suggests that this variant is likely to be disruptive. In summary, the available evidence is currently insufficient to determine the role of this variant in disease. Therefore, it has been classified as a Variant of Uncertain Significance.

Breakthrough Genomics
Classification: Uncertain significance. Review status: criteria provided, single submitter. Criteria: ACMG Guidelines, 2015. Collection method: not provided. Allele origin: germline. Inheritance: Autosomal dominant inheritance. Affected: yes.

NM_031935.3(HMCN1):c.4819C>G (p.Arg1607Gly)

Gene: HMCN1 (hemicentin 1; plus strand). Cytogenetic location: 1q31.1.
Variant type: single nucleotide variant.
Coding change: c.4819C>G on transcript NM_031935.3 (MANE Select); coding-DNA position 4819, C replaced by G.
Protein change: p.Arg1607Gly; replaces arginine 1607 with glycine.
Molecular consequence: missense variant.
Genome position (GRCh38, 1-based): chr1:186,015,347, C>G. VCF-style: chr1-186015347-C-G. GRCh37 (hg19) VCF-style: chr1-185984479-C-G.
Other names: short protein forms R1607G.
Identifiers: ClinVar variation 1987568 (VCV001987568.5), dbSNP rs149151239, ClinGen allele CA1292107.